The following is an entry in ClinVar:

NM_015450.3(POT1):c.1516T>C (p.Cys506Arg)

Gene: POT1 (protection of telomeres 1; minus strand). Cytogenetic location: 7q31.33.
Variant type: single nucleotide variant.
Coding change: c.1516T>C on transcript NM_015450.3 (MANE Select); coding-DNA position 1516, T replaced by C.
Protein change: p.Cys506Arg; replaces cysteine 506 with arginine.
Molecular consequence: missense variant. On other transcripts: non-coding transcript variant (2).
Genome position (GRCh38, 1-based): chr7:124,829,332, A>G on the plus strand (T>C on the coding strand, the complement: POT1 is on the minus strand). VCF-style: chr7-124829332-A-G. GRCh37 (hg19) VCF-style: chr7-124469386-A-G.
Other names: c.1123T>C, p.Cys375Arg (NM_001042594.2); short protein forms C375R, C506R.
Identifiers: ClinVar variation 2624664 (VCV002624664.2), dbSNP rs2485352856, ClinGen allele CA369064673.

ClinVar aggregate classification (germline): Uncertain significance (1 of 4 stars; one submission).

Conditions:
Hereditary cancer-predisposing syndrome. Also called: Tumor predisposition; Hereditary Cancer Syndrome; Hereditary neoplastic syndrome; Neoplastic Syndromes, Hereditary. Identifiers: Orphanet 140162, MedGen C0027672, MeSH D009386, MONDO:0015356.

Submission:

Ambry Genetics
Classification: Uncertain significance for Hereditary cancer-predisposing syndrome. Last evaluated: 2023-06-16. Review status: criteria provided, single submitter. Criteria: Ambry Variant Classification Scheme 2023. Collection method: clinical testing. Allele origin: germline.
Comment: The p.C506R variant (also known as c.1516T>C), located in coding exon 12 of the POT1 gene, results from a T to C substitution at nucleotide position 1516. The cysteine at codon 506 is replaced by arginine, an amino acid with highly dissimilar properties. This amino acid position is conserved. In addition, this alteration is predicted to be deleterious by in silico analysis. Since supporting evidence is limited at this time, the clinical significance of this alteration remains unclear.